The following is an entry in ClinVar:

NM_024301.5(FKRP):c.52C>T (p.Leu18Phe)

Gene: FKRP (fukutin related protein; plus strand). Cytogenetic location: 19q13.32.
Variant type: single nucleotide variant.
Coding change: c.52C>T on transcript NM_024301.5 (MANE Select); coding-DNA position 52, C replaced by T.
Protein change: p.Leu18Phe; replaces leucine 18 with phenylalanine.
Molecular consequence: missense variant.
Genome position (GRCh38, 1-based): chr19:46,755,502, C>T. VCF-style: chr19-46755502-C-T. GRCh37 (hg19) VCF-style: chr19-47258759-C-T.
Other names: c.52C>T, p.Leu18Phe (NM_001039885.3); short protein forms L18F.
Identifiers: ClinVar variation 546302 (VCV000546302.9), dbSNP rs1226848053, ClinGen allele CA406494568.

ClinVar aggregate classification (germline): Uncertain significance. Review status: criteria provided, multiple submitters, no conflicts (2 of 4 stars). 2 submissions from 2 submitters: Uncertain significance (2). Last evaluated 2021-08-20.

Conditions:
Walker-Warburg congenital muscular dystrophy. Also called: Muscular dystrophy-dystroglycanopathy, type A; Walker-Warburg syndrome. Identifiers: Orphanet 899, MedGen C0265221, MONDO:0000171.

Allele frequency attached by ClinVar (database versions not stated): gnomAD 0.00001; TOPMed 0.00003.
gnomAD v4.1: 2 of 1,611,062 alleles (0.00012%); highest among the groups gnomAD compares: Non-Finnish European, 0.00017%; no homozygotes.

Submissions (2):

Labcorp Genetics (formerly Invitae), Labcorp
Classification: Uncertain significance for Walker-Warburg congenital muscular dystrophy. Last evaluated: 2021-08-20. Review status: criteria provided, single submitter. Criteria: Invitae Variant Classification Sherloc (09022015). Collection method: clinical testing. Allele origin: germline.
Comment: This sequence change replaces leucine with phenylalanine at codon 18 of the FKRP protein (p.Leu18Phe). The leucine residue is highly conserved and there is a small physicochemical difference between leucine and phenylalanine. This variant is not present in population databases (ExAC no frequency). This variant has not been reported in the literature in individuals affected with FKRP-related conditions. ClinVar contains an entry for this variant (Variation ID: 546302). Algorithms developed to predict the effect of missense changes on protein structure and function are either unavailable or do not agree on the potential impact of this missense change (SIFT: "Deleterious"; PolyPhen-2: "Probably Damaging"; Align-GVGD: "Class C0"). In summary, the available evidence is currently insufficient to determine the role of this variant in disease. Therefore, it has been classified as a Variant of Uncertain Significance.

GeneDx
Classification: Uncertain significance. Last evaluated: 2018-05-10. Review status: criteria provided, single submitter. Criteria: GeneDx Variant Classification (06012015). Collection method: clinical testing. Allele origin: germline. Affected: yes.
Comment: A variant of uncertain significance has been identified in the FKRP gene. The L18F variant has not been published as a pathogenic variant, nor has it been reported as a benign variant to our knowledge. The L18F variant is a conservative amino acid substitution, which is not likely to impact secondary protein structure as these residues share similar properties. In-silico analyses, including protein predictors and evolutionary conservation, support that this variant does not alter protein structure/function. However, the L18F variant is not observed in large population cohorts (Lek et al., 2016). Therefore, based on the currently available information, it is unclear whether this variant is a pathogenic variant or a rare benign variant.